The following is an entry in ClinVar:

NM_000094.4(COL7A1):c.5701-1G>T

Gene: COL7A1 (collagen type VII alpha 1 chain; minus strand). Cytogenetic location: 3p21.31.
Variant type: single nucleotide variant.
Coding change: c.5701-1G>T on transcript NM_000094.4 (MANE Select); the canonical splice acceptor site of the intron before coding-DNA position 5701, G replaced by T.
Molecular consequence: splice acceptor variant.
Genome position (GRCh38, 1-based): chr3:48,576,558, C>A on the plus strand (G>T on the coding strand, the complement: COL7A1 is on the minus strand). VCF-style: chr3-48576558-C-A. GRCh37 (hg19) VCF-style: chr3-48613991-C-A.
Identifiers: ClinVar variation 431992 (VCV000431992.5), dbSNP rs1553855868, ClinGen allele CA352667358.
Genomic context (GRCh38, chr3:48,576,558, plus strand): 5'-CCCCTACCCAACATCCGCACTCACCTTGGGGCCCGTGCCTCCTGGGACACCAGGAAAACC[C>A]TGAGATACGGCAGAACACAAAGGGGTCACAAAGGCCCATGGCTTCCCAGGAGGGTTGCCC-3'

ClinVar aggregate classification (germline): Pathogenic. Review status: criteria provided, multiple submitters, no conflicts (2 of 4 stars). 2 submissions from 2 submitters: Pathogenic (2). Last evaluated 2023-03-29.

Submissions (2):

Labcorp Genetics (formerly Invitae), Labcorp
Classification: Pathogenic. Last evaluated: 2023-03-29. Review status: criteria provided, single submitter. Criteria: Invitae Variant Classification Sherloc (09022015). Collection method: clinical testing. Allele origin: germline.
Comment: For these reasons, this variant has been classified as Pathogenic. Algorithms developed to predict the effect of sequence changes on RNA splicing suggest that this variant may disrupt the consensus splice site. ClinVar contains an entry for this variant (Variation ID: 431992). This variant is also known as IVS67-1G>T. Disruption of this splice site has been observed in individual(s) with autosomal dominant epidermolysis bullosa and/or autosomal recessive epidermolysis bullosa dystrophica (PMID: 25566895, 27899325). This variant is not present in population databases (gnomAD no frequency). This sequence change affects an acceptor splice site in intron 67 of the COL7A1 gene. It is expected to disrupt RNA splicing. Variants that disrupt the donor or acceptor splice site typically lead to a loss of protein function (PMID: 16199547), and loss-of-function variants in COL7A1 are known to be pathogenic (PMID: 16971478).

GeneDx
Classification: Pathogenic. Last evaluated: 2016-02-08. Review status: criteria provided, single submitter. Criteria: GeneDx Variant Classification (06012015). Collection method: clinical testing. Allele origin: germline. Affected: yes.
Comment: The c.5701-1 G>T pathogenic variant in the COL7A1 gene has been reported previously in association with RDEB(Chen et al., 2015). This splice site variant destroys the canonical splice acceptor site in intron 67. It is predicted tocause abnormal gene splicing, either leading to an abnormal message that is subject to nonsense-mediated mRNAdecay, or to an abnormal protein product if the message is used for protein translation. The c.5701-1 G>T variant wasnot observed in approximately 6500 individuals of European and African American ancestry in the NHLBI ExomeSequencing Project, indicating it is not a common benign variant in these populations. We interpret c.5701-1 G>T asa pathogenic variant.

Literature cited by the submitters: PubMed 25566895 (cited by Labcorp Genetics (formerly Invitae), Labcorp); PubMed 27899325 (cited by Labcorp Genetics (formerly Invitae), Labcorp); PubMed 16199547 (cited by Labcorp Genetics (formerly Invitae), Labcorp); PubMed 16971478 (cited by Labcorp Genetics (formerly Invitae), Labcorp).